The following is an entry in ClinVar:

NM_003001.5(SDHC):c.82G>C (p.Val28Leu)

Gene: SDHC (succinate dehydrogenase complex subunit C; plus strand). Cytogenetic location: 1q23.3.
Variant type: single nucleotide variant.
Coding change: c.82G>C on transcript NM_003001.5 (MANE Select); coding-DNA position 82, G replaced by C.
Protein change: p.Val28Leu; replaces valine 28 with leucine.
Molecular consequence: missense variant. On other transcripts: 5 prime UTR variant (2), non-coding transcript variant (1), intron variant (4).
Genome position (GRCh38, 1-based): chr1:161,328,400, G>C. VCF-style: chr1-161328400-G-C. GRCh37 (hg19) VCF-style: chr1-161298190-G-C.
Other names: c.82G>C, p.Val28Leu (NM_001035511.3, NM_001407115.1); c.25G>C, p.Val9Leu (NM_001407116.1, NM_001407117.1, NM_001407121.1); c.-30G>C (NM_001407119.1, NM_001407120.1); c.77+4730G>C (NM_001035512.3, NM_001278172.3, NM_001407118.1); c.21-12194G>C (NM_001035513.3); short protein forms V28L, V9L.
Identifiers: ClinVar variation 938758 (VCV000938758.13), dbSNP rs754818119, ClinGen allele CA343360831.

ClinVar aggregate classification (germline): Uncertain significance. Review status: criteria provided, multiple submitters, no conflicts (2 of 4 stars). 3 submissions from 3 submitters: Uncertain significance (3). Last evaluated 2026-07-06.

Conditions:
Gastrointestinal stromal tumor. Also called: Gastrointestinal stromal tumor, somatic; Gastrointestinal stroma tumor. Identifiers: Orphanet 44890, MedGen C0238198, MeSH D046152, MONDO:0011719, OMIM 606764, HP:0100723.
Pheochromocytoma/paraganglioma syndrome 3. Also called: GLOMUS TUMORS, FAMILIAL, 3; SDHC-Related Hereditary Paraganglioma-Pheochromocytoma Syndrome (Paragangliomas 3); SDHC-Related Hereditary Paraganglioma-Pheochromocytoma Syndrome; Paragangliomas 3. Identifiers: Orphanet 29072, MedGen C1854336, MONDO:0011544, OMIM 605373.
Hereditary cancer-predisposing syndrome. Also called: Neoplastic Syndromes, Hereditary; Hereditary Cancer Syndrome; Tumor predisposition; Hereditary neoplastic syndrome. Identifiers: Orphanet 140162, MedGen C0027672, MeSH D009386, MONDO:0015356.

Allele frequency attached by ClinVar (database versions not stated): TOPMed below 0.00001.

Submissions (3):

Ambry Genetics
Classification: Uncertain significance for Hereditary cancer-predisposing syndrome. Last evaluated: 2026-07-06. Review status: criteria provided, single submitter. Criteria: Ambry Variant Classification Scheme 2023. Collection method: clinical testing. Allele origin: germline.
Comment: The p.V28L variant (also known as c.82G>C), located in coding exon 3 of the SDHC gene, results from a G to C substitution at nucleotide position 82. The valine at codon 28 is replaced by leucine, an amino acid with highly similar properties. This amino acid position is conserved. In addition, the in silico prediction for this alteration is inconclusive. Based on the available evidence, the clinical significance of this variant remains unclear.

Labcorp Genetics (formerly Invitae), Labcorp
Classification: Uncertain significance for Pheochromocytoma/paraganglioma syndrome 3; Gastrointestinal stromal tumor. Last evaluated: 2023-10-14. Review status: criteria provided, single submitter. Criteria: Invitae Variant Classification Sherloc (09022015). Collection method: clinical testing. Allele origin: germline.
Comment: This sequence change replaces valine, which is neutral and non-polar, with leucine, which is neutral and non-polar, at codon 28 of the SDHC protein (p.Val28Leu). This variant is not present in population databases (gnomAD no frequency). This variant has not been reported in the literature in individuals affected with SDHC-related conditions. ClinVar contains an entry for this variant (Variation ID: 938758). An algorithm developed to predict the effect of missense changes on protein structure and function (PolyPhen-2) suggests that this variant is likely to be tolerated. In summary, the available evidence is currently insufficient to determine the role of this variant in disease. Therefore, it has been classified as a Variant of Uncertain Significance.

GeneDx
Classification: Uncertain significance. Last evaluated: 2022-07-08. Review status: criteria provided, single submitter. Criteria: GeneDx Variant Classification Process June 2021. Collection method: clinical testing. Allele origin: germline. Affected: yes.
Comment: Not observed at significant frequency in large population cohorts (gnomAD); In silico analysis supports that this missense variant does not alter protein structure/function; Has not been previously published as pathogenic or benign to our knowledge